The following is an entry in ClinVar:

NM_002087.4(GRN):c.545C>T (p.Thr182Met)

Gene: GRN (granulin precursor; plus strand). Cytogenetic location: 17q21.31.
Variant type: single nucleotide variant.
Coding change: c.545C>T on transcript NM_002087.4 (MANE Select); coding-DNA position 545, C replaced by T.
Protein change: p.Thr182Met; replaces threonine 182 with methionine.
Molecular consequence: missense variant.
Genome position (GRCh38, 1-based): chr17:44,350,524, C>T. VCF-style: chr17-44350524-C-T. GRCh37 (hg19) VCF-style: chr17-42427892-C-T.
Other names: short protein forms T182M.
Identifiers: ClinVar variation 98144 (VCV000098144.61), dbSNP rs63750479, ClinGen allele CA225254.
Genomic context (GRCh38, chr17:44,350,524, plus strand): 5'-TGCACTGCTGTCCGCACGGTGCCTTCTGCGACCTGGTTCACACCCGCTGCATCACACCCA[C>T]GGGCACCCACCCCCTGGCAAAGAAGCTCCCTGCCCAGAGGACTAACAGGGCAGGTGAGGA-3'
Protein context (NP_002078.1, residues 172-192): DLVHTRCITP[Thr182Met]GTHPLAKKLP

ClinVar aggregate classification (germline): Benign/Likely benign. Review status: criteria provided, multiple submitters, no conflicts (2 of 4 stars). 9 submissions from 9 submitters: Benign (4); Likely benign (4). 1 of the submissions does not count toward it. Last evaluated 2026-02-01.

Conditions:
Inborn genetic diseases. Identifiers: MedGen C0950123, MeSH D030342.
GRN-related frontotemporal lobar degeneration with Tdp43 inclusions (FTD2). Also called: DEMENTIA, HEREDITARY DYSPHASIC DISINHIBITION; FRONTOTEMPORAL LOBAR DEGENERATION WITH UBIQUITIN-POSITIVE INCLUSIONS; FTLD-TDP, GRN-RELATED; FRONTOTEMPORAL DEMENTIA WITH TDP43 INCLUSIONS, GRN-RELATED; GRN Frontotemporal Dementia. Identifiers: Orphanet 100070, Orphanet 282, MedGen C1843792, MONDO:0011842, OMIM 607485. Disease mechanism: loss of function.
Neuronal ceroid lipofuscinosis 11. Also called: GRN-Related Neuronal Ceroid-Lipofuscinosis. Identifiers: Orphanet 314629, Orphanet 79262, MedGen C3539123, MONDO:0013866, OMIM 614706.

Allele frequency attached by ClinVar (database versions not stated): gnomAD exomes 0.00054 and 0.00101; ExAC 0.00122; 1000 Genomes Project 0.00160; 1000 Genomes Project 30x 0.00187; ESP Exome Variant Server 0.00323; gnomAD 0.00327 and 0.00356; TOPMed 0.00338.

Submissions (9):

Labcorp Genetics (formerly Invitae), Labcorp
Classification: Benign for Neuronal ceroid lipofuscinosis 11; GRN-related frontotemporal lobar degeneration with Tdp43 inclusions. Last evaluated: 2026-02-01. Review status: criteria provided, single submitter. Criteria: Invitae Variant Classification Sherloc (09022015). Collection method: clinical testing. Allele origin: germline.

Blueprint Genetics
Classification: Likely benign. Last evaluated: 2024-09-11. Review status: criteria provided, single submitter. Criteria: ACMG Guidelines, 2015. Collection method: clinical testing. Allele origin: germline.

Fulgent Genetics
Classification: Likely benign for GRN-related frontotemporal lobar degeneration with Tdp43 inclusions; Neuronal ceroid lipofuscinosis 11. Last evaluated: 2022-04-29. Review status: criteria provided, single submitter. Criteria: ACMG Guidelines, 2015. Collection method: clinical testing. Allele origin: unknown.

GeneDx
Classification: Likely benign. Last evaluated: 2020-03-19. Review status: criteria provided, single submitter. Criteria: GeneDx Variant Classification Process June 2021. Collection method: clinical testing. Allele origin: germline. Affected: yes.
Comment: This variant is associated with the following publications: (PMID: 17371905, 20020531, 22995991)

Athena Diagnostics
Classification: Benign. Last evaluated: 2018-05-14. Review status: criteria provided, single submitter. Criteria: Athena Diagnostics Criteria. Collection method: clinical testing. Allele origin: germline.

Illumina Laboratory Services, Illumina
Classification: Benign for GRN-related frontotemporal lobar degeneration with Tdp43 inclusions. Last evaluated: 2018-01-12. Review status: criteria provided, single submitter. Criteria: ICSL Variant Classification Criteria 13 December 2019. Collection method: clinical testing. Allele origin: germline.
Comment: This variant was observed in the ICSL laboratory as part of a predisposition screen in an ostensibly healthy population. It had not been previously curated by ICSL or reported in the Human Gene Mutation Database (HGMD: prior to June 1st, 2018), and was therefore a candidate for classification through an automated scoring system. Utilizing variant allele frequency, disease prevalence and penetrance estimates, and inheritance mode, an automated score was calculated to assess if this variant is too frequent to cause the disease. Based on the score and internal cut-off values, a variant classified as benign is not then subjected to further curation. The score for this variant resulted in a classification of benign for this disease.

Ambry Genetics
Classification: Benign for Inborn genetic diseases. Last evaluated: 2016-03-21. Review status: criteria provided, single submitter. Criteria: Ambry Variant Classification Scheme 2023. Collection method: clinical testing. Allele origin: germline.

Breakthrough Genomics
Classification: Likely benign. Review status: criteria provided, single submitter. Criteria: ACMG Guidelines, 2015. Collection method: not provided. Allele origin: germline. Inheritance: Autosomal recessive inheritance. Affected: yes.

VIB  Department of Molecular Genetics, University of Antwerp
No classification provided. Review status: no classification provided. Collection method: not provided. Allele origin: unknown. Not counted in ClinVar's aggregate classification.

Literature cited by the submitters: PubMed 17228326 (cited by Athena Diagnostics); PubMed 17371905 (cited by Athena Diagnostics); PubMed 18464284 (cited by Athena Diagnostics); PubMed 20020531 (cited by Athena Diagnostics); PubMed 22995991 (cited by Athena Diagnostics); PubMed 27790088 (cited by Athena Diagnostics); PubMed 27632209 (cited by Athena Diagnostics).